The following is an entry in ClinVar:

ClinVar aggregate classification (germline): Likely pathogenic (1 of 4 stars; one submission).

Conditions:
Cold-induced sweating syndrome 1 (CISS1). Also called: CRISPONI/COLD-INDUCED SWEATING SYNDROME 1; CRLF1-Related Cold-Induced Sweating Syndrome including Crisponi Syndrome; MUSCLE CONTRACTIONS, TETANOFORM, WITH CHARACTERISTIC FACE, CAMPTODACTYLY, HYPERTHERMIA, AND SUDDEN DEATH; Crisponi syndrome. Identifiers: Orphanet 1545, Orphanet 157820, MedGen C1848947, MONDO:0010091, OMIM 272430.

Allele frequency attached by ClinVar (database versions not stated): ExAC 0.00001.
gnomAD v4.1: 2 of 1,614,064 alleles (0.00012%); highest among the groups gnomAD compares: East Asian, 0.0022%; no homozygotes.

Submission:

Hacettepe Genetic Diseases Diagnosis Center, Hacettepe University Faculty of Medicine
Classification: Likely pathogenic for Cold-induced sweating syndrome 1. Last evaluated: 2020-06-01. Review status: criteria provided, single submitter. Criteria: ACMG Guidelines, 2015. Collection method: clinical testing. Allele origin: germline. Inheritance: Autosomal recessive inheritance. Affected: yes. Observed: 1 homozygote.
Comment: The R312L variant has not been reported in 1000 Genomes Project database and there is only one heterozygous individual in gnomAD data (allele frequency= 0.00000399). This variant was classified as likely pathogenic according to the ACMG guidelines and predicted to be deleterious by in silico pathogenicity prediction tools such as PolyPhen-2 and MutationTaster. Furthermore, alternative variants resulting in different amino acid substitutions at position 312 in CRLF1 have been associated with Crisponi syndrome (Piras et al., 2014).

NM_004750.5(CRLF1):c.935G>T (p.Arg312Leu)

Gene: CRLF1 (cytokine receptor like factor 1; minus strand). Cytogenetic location: 19p13.11.
Variant type: single nucleotide variant.
Coding change: c.935G>T on transcript NM_004750.5 (MANE Select); coding-DNA position 935, G replaced by T.
Protein change: p.Arg312Leu; replaces arginine 312 with leucine.
Molecular consequence: missense variant.
Genome position (GRCh38, 1-based): chr19:18,596,711, C>A on the plus strand (G>T on the coding strand, the complement: CRLF1 is on the minus strand). VCF-style: chr19-18596711-C-A. GRCh37 (hg19) VCF-style: chr19-18707521-C-A.
Other names: short protein forms R312L.
Identifiers: ClinVar variation 929437 (VCV000929437.2), dbSNP rs137853933, ClinGen allele CA9314048.